The following is an entry in ClinVar:

NM_001710.6(CFB):c.148C>T (p.Arg50Ter)

Gene: CFB (complement factor B; plus strand). Cytogenetic location: 6p21.33.
Variant type: single nucleotide variant.
Coding change: c.148C>T on transcript NM_001710.6 (MANE Select); coding-DNA position 148, C replaced by T.
Protein change: p.Arg50Ter; replaces arginine 50 with a stop codon.
Molecular consequence: nonsense.
Genome position (GRCh38, 1-based): chr6:31,946,456, C>T. VCF-style: chr6-31946456-C-T. GRCh37 (hg19) VCF-style: chr6-31914233-C-T.
Other names: short protein forms R50*.
Identifiers: ClinVar variation 1512289 (VCV001512289.6), dbSNP rs745479913, ClinGen allele CA3727958.
Genomic context (GRCh38, chr6:31,946,456, plus strand): 5'-TTGGCCCGGCCCCAGGGATCCTGCTCTCTGGAGGGGGTAGAGATCAAAGGCGGCTCCTTC[C>T]GACTTCTCCAAGAGGGCCAGGCACTGGAGTACGTGTGTCCTTCTGGCTTCTACCCGTACC-3'

ClinVar aggregate classification (germline): Uncertain significance (1 of 4 stars; one submission).

Allele frequency attached by ClinVar (database versions not stated): gnomAD exomes below 0.00001 and 0.00001; ExAC 0.00001; gnomAD 0.00001; TOPMed 0.00001.
gnomAD v4.1: 12 of 1,612,918 alleles (0.00074%); highest among the groups gnomAD compares: Middle Eastern, 0.016%; no homozygotes.

Submission:

Labcorp Genetics (formerly Invitae), Labcorp
Classification: Uncertain significance. Last evaluated: 2024-02-25. Review status: criteria provided, single submitter. Criteria: Invitae Variant Classification Sherloc (09022015). Collection method: clinical testing. Allele origin: germline.
Comment: This sequence change creates a premature translational stop signal (p.Arg50*) in the CFB gene. It is expected to result in an absent or disrupted protein product. However, the current clinical and genetic evidence is not sufficient to establish whether loss-of-function variants in CFB cause disease. This variant is present in population databases (rs745479913, gnomAD 0.004%). This variant has not been reported in the literature in individuals affected with CFB-related conditions. ClinVar contains an entry for this variant (Variation ID: 1512289). Algorithms developed to predict the effect of sequence changes on RNA splicing suggest that this variant may disrupt the consensus splice site. In summary, the available evidence is currently insufficient to determine the role of this variant in disease. Therefore, it has been classified as a Variant of Uncertain Significance.